The following is an entry in ClinVar:

NM_000179.3(MSH6):c.313T>C (p.Trp105Arg)

Gene: MSH6 (mutS homolog 6; plus strand). Cytogenetic location: 2p16.3.
Variant type: single nucleotide variant.
Coding change: c.313T>C on transcript NM_000179.3 (MANE Select); coding-DNA position 313, T replaced by C.
Protein change: p.Trp105Arg; replaces tryptophan 105 with arginine.
Molecular consequence: missense variant. On other transcripts: 5 prime UTR variant (7), non-coding transcript variant (5), intron variant (6).
Genome position (GRCh38, 1-based): chr2:47,790,979, T>C. VCF-style: chr2-47790979-T-C. GRCh37 (hg19) VCF-style: chr2-48018118-T-C.
Other names: c.-424T>C (NM_001281493.2, NM_001406811.1, NM_001406823.1 and 1 more transcripts); c.-590T>C (NM_001281494.2); c.409T>C, p.Trp137Arg (NM_001406795.1, NM_001406802.1); c.313T>C, p.Trp105Arg (NM_001406796.1, NM_001406798.1, NM_001406800.1 and 6 more transcripts); c.16T>C, p.Trp6Arg (NM_001406797.1, NM_001406801.1, NM_001406805.1 and 10 more transcripts); c.235T>C, p.Trp79Arg (NM_001406804.1); c.-616T>C (NM_001406807.1); c.-682T>C (NM_001406814.1); and 6 more; short protein forms W105R, W137R, W49R, W6R, W79R.
Identifiers: ClinVar variation 3230544 (VCV003230544.1), dbSNP rs2530433420, ClinGen allele CA346736839.

ClinVar aggregate classification (germline): Uncertain significance (1 of 4 stars; one submission).

Conditions:
Hereditary cancer-predisposing syndrome. Also called: Neoplastic Syndromes, Hereditary; Tumor predisposition; Hereditary neoplastic syndrome; Hereditary Cancer Syndrome. Identifiers: Orphanet 140162, MedGen C0027672, MeSH D009386, MONDO:0015356.

Submission:

Ambry Genetics
Classification: Uncertain significance for Hereditary cancer-predisposing syndrome. Last evaluated: 2023-12-25. Review status: criteria provided, single submitter. Criteria: Ambry Variant Classification Scheme 2023. Collection method: clinical testing. Allele origin: germline.
Comment: The p.W105R variant (also known as c.313T>C), located in coding exon 2 of the MSH6 gene, results from a T to C substitution at nucleotide position 313. The tryptophan at codon 105 is replaced by arginine, an amino acid with dissimilar properties. This amino acid position is conserved. In addition, this alteration is predicted to be deleterious by in silico analysis. Since supporting evidence is limited at this time, the clinical significance of this alteration remains unclear.